The following is an entry in ClinVar:

NM_004667.6(HERC2):c.1A>T (p.Met1Leu)

Gene: HERC2 (HECT and RLD domain containing E3 ubiquitin protein ligase 2; minus strand). Cytogenetic location: 15q13.1.
Variant type: single nucleotide variant.
Coding change: c.1A>T on transcript NM_004667.6 (MANE Select); coding-DNA position 1, A replaced by T.
Protein change: p.Met1Leu; changes the start codon (methionine 1).
Molecular consequence: missense variant, initiator codon variant.
Genome position (GRCh38, 1-based): chr15:28,321,433, T>A on the plus strand (A>T on the coding strand, the complement: HERC2 is on the minus strand). VCF-style: chr15-28321433-T-A. GRCh37 (hg19) VCF-style: chr15-28566579-T-A.
Other names: short protein forms M1L.
Identifiers: ClinVar variation 3253212 (VCV003253212.1), dbSNP rs2549471281.

ClinVar aggregate classification (germline): Uncertain significance (1 of 4 stars; one submission).

Submission:

GeneDx
Classification: Uncertain significance. Last evaluated: 2023-12-11. Review status: criteria provided, single submitter. Criteria: GeneDx Variant Classification Process June 2021. Collection method: clinical testing. Allele origin: germline. Affected: yes.
Comment: Initiation codon variant in a gene for which loss of function is not a known mechanism of disease; Not observed at significant frequency in large population cohorts (gnomAD); Has not been previously published as pathogenic or benign to our knowledge